The following is an entry in ClinVar:

NM_000548.5(TSC2):c.1118A>G (p.Gln373Arg)

Gene: TSC2 (TSC complex subunit 2; plus strand). Cytogenetic location: 16p13.3.
Variant type: single nucleotide variant.
Coding change: c.1118A>G on transcript NM_000548.5 (MANE Select); coding-DNA position 1118, A replaced by G.
Protein change: p.Gln373Arg; replaces glutamine 373 with arginine.
Molecular consequence: missense variant.
Genome position (GRCh38, 1-based): chr16:2,060,812, A>G. VCF-style: chr16-2060812-A-G. GRCh37 (hg19) VCF-style: chr16-2110813-A-G.
Other names: c.1118A>G, p.Gln373Arg (NM_001077183.3, NM_001114382.3, NM_001363528.2 and 3 more transcripts); c.1007A>G, p.Gln336Arg (NM_001318827.2); c.971A>G, p.Gln324Arg (NM_001318829.2); c.518A>G, p.Gln173Arg (NM_001318831.2); c.1151A>G, p.Gln384Arg (NM_001318832.2); short protein forms Q373R, Q324R, Q336R, Q173R, Q384R.
Identifiers: ClinVar variation 570588 (VCV000570588.5), dbSNP rs397515131, ClinGen allele CA394318479.

ClinVar aggregate classification (germline): Likely pathogenic (1 of 4 stars; one submission).

Conditions:
Tuberous sclerosis 2 (TSC2). Identifiers: Orphanet 805, MedGen C1860707, MONDO:0013199, OMIM 613254.

Submission:

Labcorp Genetics (formerly Invitae), Labcorp
Classification: Likely pathogenic for Tuberous sclerosis 2. Last evaluated: 2024-03-04. Review status: criteria provided, single submitter. Criteria: Invitae Variant Classification Sherloc (09022015). Collection method: clinical testing. Allele origin: germline.
Comment: This sequence change replaces glutamine, which is neutral and polar, with arginine, which is basic and polar, at codon 373 of the TSC2 protein (p.Gln373Arg). This variant is not present in population databases (gnomAD no frequency). This missense change has been observed in individual(s) with clinical features of tuberous sclerosis complex (Invitae). ClinVar contains an entry for this variant (Variation ID: 570588). An algorithm developed to predict the effect of missense changes on protein structure and function (PolyPhen-2) suggests that this variant is likely to be tolerated. Algorithms developed to predict the effect of sequence changes on RNA splicing suggest that this variant may disrupt the consensus splice site. In summary, the currently available evidence indicates that the variant is pathogenic, but additional data are needed to prove that conclusively. Therefore, this variant has been classified as Likely Pathogenic.